The following is an entry in ClinVar:

ClinVar aggregate classification (germline): Uncertain significance (1 of 4 stars; one submission).

Submission:

Ambry Genetics
Classification: Uncertain significance. Last evaluated: 2026-03-11. Review status: criteria provided, single submitter. Criteria: Ambry Variant Classification Scheme 2023. Collection method: clinical testing. Allele origin: germline.
Comment: The p.Q598L variant (also known as c.1793A>T), located in coding exon 2 of the CDK12 gene, results from an A to T substitution at nucleotide position 1793. The glutamine at codon 598 is replaced by leucine, an amino acid with dissimilar properties. This amino acid position is conserved. In addition, this alteration is predicted to be tolerated by in silico analysis. Based on the available evidence, the clinical significance of this variant remains unclear.

NM_016507.4(CDK12):c.1793A>T (p.Gln598Leu)

Gene: CDK12 (cyclin dependent kinase 12; plus strand). Cytogenetic location: 17q12.
Variant type: single nucleotide variant.
Coding change: c.1793A>T on transcript NM_016507.4 (MANE Select); coding-DNA position 1793, A replaced by T.
Protein change: p.Gln598Leu; replaces glutamine 598 with leucine.
Molecular consequence: missense variant.
Genome position (GRCh38, 1-based): chr17:39,471,625, A>T. VCF-style: chr17-39471625-A-T. GRCh37 (hg19) VCF-style: chr17-37627878-A-T.
Other names: c.1793A>T, p.Gln598Leu (NM_015083.4); short protein forms Q598L.
Identifiers: ClinVar variation 4825954 (VCV004825954.1).